The following is an entry in ClinVar:

ClinVar aggregate classification (germline): Uncertain significance (1 of 4 stars; one submission).

Conditions:
Monogenic diabetes. Identifiers: Orphanet 183625, MedGen C3888631, MONDO:0015967.

Allele frequency attached by ClinVar (database versions not stated): gnomAD exomes below 0.00001 and 0.00001; TOPMed below 0.00001.
gnomAD v4.1: 9 of 1,614,096 alleles (0.00056%); highest among the groups gnomAD compares: East Asian, 0.0022%; no homozygotes.

Submission:

Personalized Diabetes Medicine Program, University of Maryland School of Medicine
Classification: Uncertain significance for Monogenic diabetes. Last evaluated: 2018-12-07. Review status: criteria provided, single submitter. Criteria: ACMG Guidelines, 2015. Collection method: research. Allele origin: unknown. Observed: 1 variant allele, 1 heterozygote.
Comment: ACMG criteria: PM2 = VUS (REVEL 0.441 + PP3/6 predictors + BP4/4 predictors= conflicting evidence, not using) PMID:27749844 prospective functional classification of all possible missense variants in PPARG. Tool says not pathogenic for FPLD3, but 6.5-fold increased risk for T2DM.

Literature cited by the submitters: PubMed 27749844.

NM_138711.6(PPARG):c.832C>T (p.Arg278Cys)

Gene: PPARG (peroxisome proliferator activated receptor gamma; plus strand). Cytogenetic location: 3p25.2.
Variant type: single nucleotide variant.
Coding change: c.832C>T on transcript NM_138711.6 (MANE Select); coding-DNA position 832, C replaced by T.
Protein change: p.Arg278Cys; replaces arginine 278 with cysteine.
Molecular consequence: missense variant. On other transcripts: intron variant (5).
Genome position (GRCh38, 1-based): chr3:12,416,806, C>T. VCF-style: chr3-12416806-C-T. GRCh37 (hg19) VCF-style: chr3-12458305-C-T.
Other names: c.832C>T, p.Arg278Cys (NM_001354666.3, NM_001354667.3, NM_001374263.2 and 3 more transcripts); c.205C>T, p.Arg69Cys (NM_001354669.2); c.922C>T, p.Arg308Cys (NM_015869.5); c.729+10725C>T (NM_001374261.3, NM_001374262.3, NM_001330615.4); c.653+10807C>T (NM_001374266.1); c.819+10725C>T (NM_001374265.1); short protein forms R278C, R308C, R69C.
Identifiers: ClinVar variation 917446 (VCV000917446.2), dbSNP rs1176746892, ClinGen allele CA351619329.